The following is an entry in ClinVar:

NM_004046.6(ATP5F1A):c.671A>G (p.Asp224Gly)

Gene: ATP5F1A (ATP synthase F1 subunit alpha; minus strand). Cytogenetic location: 18q21.1.
Variant type: single nucleotide variant.
Coding change: c.671A>G on transcript NM_004046.6 (MANE Select); coding-DNA position 671, A replaced by G.
Protein change: p.Asp224Gly; replaces aspartic acid 224 with glycine.
Molecular consequence: missense variant.
Genome position (GRCh38, 1-based): chr18:46,088,237, T>C on the plus strand (A>G on the coding strand, the complement: ATP5F1A is on the minus strand). VCF-style: chr18-46088237-T-C. GRCh37 (hg19) VCF-style: chr18-43668203-T-C.
Other names: c.521A>G, p.Asp174Gly (NM_001001935.3, NM_001257335.2); c.671A>G, p.Asp224Gly (NM_001001937.2); c.605A>G, p.Asp202Gly (NM_001257334.2); short protein forms D174G, D202G, D224G.
Identifiers: ClinVar variation 3657120 (VCV003657120.2).
Genomic context (GRCh38, chr18:46,088,237, plus strand): 5'-CAGTACAGCTTCTTCTTTTCATCAGATCCATCATTGAAACGTTTCTGGTTAATGATTGTG[T>C]CAATAGCAATTGAGGTTTTCCTTTAAAAAGAGAAAGTAAATATAAATCTTCCTAAACTTA-3'
Protein context (NP_004037.1, residues 214-234): RQTGKTSIAI[Asp224Gly]TIINQKRFND

ClinVar aggregate classification (germline): Uncertain significance (1 of 4 stars; one submission).

gnomAD v4.1: 1 of 1,584,068 alleles (0.000063%); highest among the groups gnomAD compares: Non-Finnish European, 0.000085%; no homozygotes.

Submission:

Labcorp Genetics (formerly Invitae), Labcorp
Classification: Uncertain significance. Last evaluated: 2024-06-26. Review status: criteria provided, single submitter. Criteria: Invitae Variant Classification Sherloc (09022015). Collection method: clinical testing. Allele origin: germline.
Comment: This sequence change replaces aspartic acid, which is acidic and polar, with glycine, which is neutral and non-polar, at codon 224 of the ATP5A1 protein (p.Asp224Gly). This variant is not present in population databases (gnomAD no frequency). This variant has not been reported in the literature in individuals affected with ATP5A1-related conditions. Advanced modeling of protein sequence and biophysical properties (such as structural, functional, and spatial information, amino acid conservation, physicochemical variation, residue mobility, and thermodynamic stability) performed at Invitae indicates that this missense variant is expected to disrupt ATP5A1 protein function with a positive predictive value of 80%. In summary, the available evidence is currently insufficient to determine the role of this variant in disease. Therefore, it has been classified as a Variant of Uncertain Significance.